The following is an entry in ClinVar:

NM_000797.4(DRD4):c.250G>A (p.Ala84Thr)

Gene: DRD4 (dopamine receptor D4; plus strand). Cytogenetic location: 11p15.5.
Variant type: single nucleotide variant.
Coding change: c.250G>A on transcript NM_000797.4 (MANE Select); coding-DNA position 250, G replaced by A.
Protein change: p.Ala84Thr; replaces alanine 84 with threonine.
Molecular consequence: missense variant.
Genome position (GRCh38, 1-based): chr11:637,554, G>A. VCF-style: chr11-637554-G-A. GRCh37 (hg19) VCF-style: chr11-637554-G-A.
Other names: short protein forms A84T.
Identifiers: ClinVar variation 3037821 (VCV003037821.2), dbSNP rs145562859, ClinGen allele CA5785579.

ClinVar aggregate classification (germline): Benign (0 of 4 stars; one submission).

Conditions:
DRD4-related disorder. Also called: DRD4-related condition.

Allele frequency attached by ClinVar (database versions not stated): ESP Exome Variant Server 0.00039; ExAC 0.00080; TOPMed 0.00084; 1000 Genomes Project 0.00240.
gnomAD v4.1: 455 of 1,560,404 alleles (0.029%); highest among the groups gnomAD compares: East Asian, 0.5%; no homozygotes.

Submission:

PreventionGenetics, part of Exact Sciences
Classification: Benign for DRD4-related condition. Last evaluated: 2020-03-09. Review status: no assertion criteria provided. Collection method: clinical testing. Allele origin: germline.
Comment: This variant is classified as benign based on ACMG/AMP sequence variant interpretation guidelines (Richards et al. 2015 PMID: 25741868, with internal and published modifications).